The following is an entry in ClinVar:

ClinVar aggregate classification (germline): Pathogenic/Likely pathogenic. Review status: criteria provided, multiple submitters, no conflicts (2 of 4 stars). 3 submissions from 3 submitters: Pathogenic (1); Likely pathogenic (2). Last evaluated 2025-08-14.

Conditions:
Epidermolysis bullosa dystrophica. Also called: Dystrophic epidermolysis bullosa, Hallopeau-Siemens type (formerly); Dystrophic epidermolysis bullosa. Identifiers: Orphanet 303, MedGen C0079294, MONDO:0006543.
Recessive dystrophic epidermolysis bullosa (RDEB). Also called: severe generalized recessive dystrophic epidermolysis bullosa; EPIDERMOLYSIS BULLOSA DYSTROPHICA, GENERALIZED SEVERE, AUTOSOMAL RECESSIVE; DYSTROPHIC EPIDERMOLYSIS BULLOSA, AUTOSOMAL RECESSIVE; EPIDERMOLYSIS BULLOSA DYSTROPHICA, HALLOPEAU-SIEMENS TYPE; Epidermolysis Bullosa Distrophica Autosomal Recessive (RDEB); epidermolysis bullosa dystrophica, autosomal recessive. Identifiers: Orphanet 79408, Orphanet 79409, MedGen C0079474, MONDO:0009179, OMIM 226600.

Submissions (3):

Natera, Inc.
Classification: Likely pathogenic for Dystrophic epidermolysis bullosa. Last evaluated: 2025-08-14. Review status: criteria provided, single submitter. Criteria: Natera Variant Classification Schema (03/2026). Collection method: clinical testing. Allele origin: germline.
Comment: The c.8541del variant in COL7A1 is a frameshift variant predicted to shift the reading frame beginning at codon 2848 and leads to a stop codon 50 codons downstream. This variant is expected to result in nonsense mediated decay, truncation, or a dysfunctional protein product. This variant is rare in the general population with a frequency below the threshold expected for the associated phenotype(s). Given the available evidence, this variant is classified as Likely Pathogenic.

Labcorp Genetics (formerly Invitae), Labcorp
Classification: Pathogenic. Last evaluated: 2022-12-31. Review status: criteria provided, single submitter. Criteria: Invitae Variant Classification Sherloc (09022015). Collection method: clinical testing. Allele origin: germline.
Comment: For these reasons, this variant has been classified as Pathogenic. ClinVar contains an entry for this variant (Variation ID: 982059). This variant has not been reported in the literature in individuals affected with COL7A1-related conditions. This variant is not present in population databases (gnomAD no frequency). This sequence change creates a premature translational stop signal (p.Glu2848Argfs*50) in the COL7A1 gene. It is expected to result in an absent or disrupted protein product. Loss-of-function variants in COL7A1 are known to be pathogenic (PMID: 16971478).

Pathology and Clinical Laboratory Medicine, King Fahad Medical City
Classification: Likely pathogenic for Recessive dystrophic epidermolysis bullosa. Review status: criteria provided, single submitter. Criteria: ACMG Guidelines, 2015. Collection method: clinical testing. Allele origin: germline. Affected: yes. Observed: 2 variant alleles.

Literature cited by the submitters: PubMed 16971478 (cited by Labcorp Genetics (formerly Invitae), Labcorp).

NM_000094.4(COL7A1):c.8541del (p.Glu2848fs)

Gene: COL7A1 (collagen type VII alpha 1 chain; minus strand). Cytogenetic location: 3p21.31.
Variant type: Deletion.
Coding change: c.8541del on transcript NM_000094.4 (MANE Select); coding-DNA position 8541, one base deleted (T; older notation c.8541delT).
Protein change: p.Glu2848fs; shifts the reading frame from glutamic acid 2848.
Molecular consequence: frameshift variant.
Genome position (GRCh38, 1-based): chr3:48,565,188, A deleted on the plus strand (T on the coding strand, the reverse complement: COL7A1 is on the minus strand). VCF-style (leftmost placement, unchanged base first): chr3-48565187-CA-C. GRCh37 (hg19) VCF-style: chr3-48602620-CA-C.
Other names: c.8541delT (NM_000094.3); c.8541del (NM_000094.3); short protein forms E2848fs.
Identifiers: ClinVar variation 982059 (VCV000982059.5), dbSNP rs2043547588, ClinGen allele CA1139658075.